The following is an entry in ClinVar:

ClinVar aggregate classification (germline): Uncertain significance. Review status: criteria provided, multiple submitters, no conflicts (2 of 4 stars). 2 submissions from 2 submitters: Uncertain significance (2). Last evaluated 2024-12-17.

Conditions:
Spermatogenic failure 18. Identifiers: MedGen C4539783, MONDO:0054615, OMIM 617576.
Ciliary dyskinesia, primary, 37 (CILD37). Also called: CILIARY DYSKINESIA, PRIMARY, 37, WITH OR WITHOUT SITUS INVERSUS. Identifiers: MedGen C4539798, MONDO:0033204, OMIM 617577.

gnomAD v4.1: 10 of 1,613,548 alleles (0.00062%); highest among the groups gnomAD compares: African/African-American, 0.013%; no homozygotes.

Submissions (2):

Ambry Genetics
Classification: Uncertain significance. Last evaluated: 2024-12-17. Review status: criteria provided, single submitter. Criteria: Ambry Variant Classification Scheme 2023. Collection method: clinical testing. Allele origin: germline.

Labcorp Genetics (formerly Invitae), Labcorp
Classification: Uncertain significance for Ciliary dyskinesia, primary, 37; Spermatogenic failure 18. Last evaluated: 2024-02-19. Review status: criteria provided, single submitter. Criteria: Invitae Variant Classification Sherloc (09022015). Collection method: clinical testing. Allele origin: germline.
Comment: This sequence change replaces asparagine, which is neutral and polar, with isoleucine, which is neutral and non-polar, at codon 3502 of the DNAH1 protein (p.Asn3502Ile). This variant is present in population databases (rs766390523, gnomAD 0.02%). This variant has not been reported in the literature in individuals affected with DNAH1-related conditions. An algorithm developed to predict the effect of missense changes on protein structure and function (PolyPhen-2) suggests that this variant is likely to be tolerated. In summary, the available evidence is currently insufficient to determine the role of this variant in disease. Therefore, it has been classified as a Variant of Uncertain Significance.

NM_015512.5(DNAH1):c.10505A>T (p.Asn3502Ile)

Gene: DNAH1 (dynein axonemal heavy chain 1; plus strand). Cytogenetic location: 3p21.1.
Variant type: single nucleotide variant.
Coding change: c.10505A>T on transcript NM_015512.5 (MANE Select); coding-DNA position 10505, A replaced by T.
Protein change: p.Asn3502Ile; replaces asparagine 3502 with isoleucine.
Molecular consequence: missense variant.
Genome position (GRCh38, 1-based): chr3:52,393,364, A>T. VCF-style: chr3-52393364-A-T. GRCh37 (hg19) VCF-style: chr3-52427380-A-T.
Other names: c.10505A>T (NM_015512.4); short protein forms N3502I.
Identifiers: ClinVar variation 3748250 (VCV003748250.3).
Genomic context (GRCh38, chr3:52,393,364, plus strand): 5'-CCGCGCTGCCATCACTTCTCCACTCCACAGACAACCTGAAGAAGCGCATCTCCAACATCA[A>T]CCGCTACCTGACCTACAGCCTCTACAGCAACGTCTGCCGCAGCCTCTTTGAGAAGCACAA-3'
Protein context (NP_056327.4, residues 3492-3512): DNLKKRISNI[Asn3502Ile]RYLTYSLYSN